The following is an entry in ClinVar:

NM_001164508.2(NEB):c.1676del (p.Asn559fs)

Gene: NEB (nebulin; minus strand). Cytogenetic location: 2q23.3.
Variant type: Deletion.
Coding change: c.1676del on transcript NM_001164508.2 (MANE Select); coding-DNA position 1676, one base deleted (A; older notation c.1676delA).
Protein change: p.Asn559fs; shifts the reading frame from asparagine 559.
Molecular consequence: frameshift variant.
Genome position (GRCh38, 1-based): chr2:151,694,628, T deleted on the plus strand (A on the coding strand, the reverse complement: NEB is on the minus strand); the first of 2 consecutive T bases (chr2:151,694,628-151,694,629); deleting either gives the same sequence. VCF-style (leftmost placement, unchanged base first): chr2-151694627-AT-A. GRCh37 (hg19) VCF-style: chr2-152551141-AT-A.
Other names: c.1676del, p.Asn559fs (NM_001164507.2, NM_001271208.2, NM_004543.5); short protein forms N559fs.
Identifiers: ClinVar variation 660081 (VCV000660081.6), dbSNP rs1576600442, ClinGen allele CA915942826.
Genomic context (GRCh38, chr2:151,694,627, plus strand): 5'-GGCATCCACTTTAATGTCAAACTTTTTGGCTTTGCTCTTCTCCCAGTCTTGCTTATAAAG[AT>A]TCTGGACAAAAAAATTCAGCAAAGGAATTGGCAAAAGTGATATGCATGTCACGACCTTTA-3'

ClinVar aggregate classification (germline): Pathogenic (1 of 4 stars; one submission).

Conditions:
Nemaline myopathy 2 (NEM2). Also called: Nemaline myopathy 2, autosomal recessive. Identifiers: MedGen C1850569, MONDO:0009725, OMIM 256030.

Submission:

Labcorp Genetics (formerly Invitae), Labcorp
Classification: Pathogenic for Nemaline myopathy 2. Last evaluated: 2021-12-01. Review status: criteria provided, single submitter. Criteria: Invitae Variant Classification Sherloc (09022015). Collection method: clinical testing. Allele origin: germline.
Comment: ClinVar contains an entry for this variant (Variation ID: 660081). For these reasons, this variant has been classified as Pathogenic. This variant has not been reported in the literature in individuals affected with NEB-related conditions. This variant is not present in population databases (gnomAD no frequency). This sequence change creates a premature translational stop signal (p.Asn559Ilefs*37) in the NEB gene. It is expected to result in an absent or disrupted protein product. Loss-of-function variants in NEB are known to be pathogenic (PMID: 25205138).

Literature cited by the submitters: PubMed 25205138.